The following is an entry in ClinVar:

ClinVar aggregate classification (germline): Uncertain significance (1 of 4 stars; one submission).

Allele frequency attached by ClinVar (database versions not stated): gnomAD exomes below 0.00001; TOPMed 0.00001.
gnomAD v4.1: 2 of 1,494,550 alleles (0.00013%); highest among the groups gnomAD compares: Non-Finnish European, 0.00009%; no homozygotes.

Submission:

Labcorp Genetics (formerly Invitae), Labcorp
Classification: Uncertain significance. Last evaluated: 2023-11-19. Review status: criteria provided, single submitter. Criteria: Invitae Variant Classification Sherloc (09022015). Collection method: clinical testing. Allele origin: germline.
Comment: This sequence change replaces alanine, which is neutral and non-polar, with threonine, which is neutral and polar, at codon 1074 of the PIEZO1 protein (p.Ala1074Thr). This variant is not present in population databases (gnomAD no frequency). This variant has not been reported in the literature in individuals affected with PIEZO1-related conditions. Advanced modeling of protein sequence and biophysical properties (such as structural, functional, and spatial information, amino acid conservation, physicochemical variation, residue mobility, and thermodynamic stability) performed at Invitae indicates that this missense variant is not expected to disrupt PIEZO1 protein function with a negative predictive value of 95%. In summary, the available evidence is currently insufficient to determine the role of this variant in disease. Therefore, it has been classified as a Variant of Uncertain Significance.

NM_001142864.4(PIEZO1):c.3220G>A (p.Ala1074Thr)

Gene: PIEZO1 (piezo type mechanosensitive ion channel component 1 (Er blood group); minus strand). Cytogenetic location: 16q24.3.
Variant type: single nucleotide variant.
Coding change: c.3220G>A on transcript NM_001142864.4 (MANE Select); coding-DNA position 3220, G replaced by A.
Protein change: p.Ala1074Thr; replaces alanine 1074 with threonine.
Molecular consequence: missense variant.
Genome position (GRCh38, 1-based): chr16:88,727,638, C>T on the plus strand (G>A on the coding strand, the complement: PIEZO1 is on the minus strand). VCF-style: chr16-88727638-C-T. GRCh37 (hg19) VCF-style: chr16-88794046-C-T.
Other names: c.1762G>A, p.Ala588Thr (NM_014745.1); short protein forms A1074T, A588T.
Identifiers: ClinVar variation 2897909 (VCV002897909.3), dbSNP rs1904549685, ClinGen allele CA397105864.